The following is an entry in ClinVar:

ClinVar aggregate classification (germline): Uncertain significance (1 of 4 stars; one submission).

Submission:

Labcorp Genetics (formerly Invitae), Labcorp
Classification: Uncertain significance. Last evaluated: 2021-10-13. Review status: criteria provided, single submitter. Criteria: Invitae Variant Classification Sherloc (09022015). Collection method: clinical testing. Allele origin: germline.
Comment: This sequence change replaces proline with leucine at codon 99 of the HOXB13 protein (p.Pro99Leu). The proline residue is weakly conserved and there is a moderate physicochemical difference between proline and leucine. This variant is not present in population databases (ExAC no frequency). This variant has not been reported in the literature in individuals affected with HOXB13-related conditions. Algorithms developed to predict the effect of missense changes on protein structure and function are either unavailable or do not agree on the potential impact of this missense change (SIFT: "Tolerated"; PolyPhen-2: "Possibly Damaging"; Align-GVGD: "Class C0"). In summary, the available evidence is currently insufficient to determine the role of this variant in disease. Therefore, it has been classified as a Variant of Uncertain Significance.

NM_006361.6(HOXB13):c.296C>T (p.Pro99Leu)

Gene: HOXB13 (homeobox B13; minus strand). Cytogenetic location: 17q21.32.
Variant type: single nucleotide variant.
Coding change: c.296C>T on transcript NM_006361.6 (MANE Select); coding-DNA position 296, C replaced by T.
Protein change: p.Pro99Leu; replaces proline 99 with leucine.
Molecular consequence: missense variant.
Genome position (GRCh38, 1-based): chr17:48,728,298, G>A on the plus strand (C>T on the coding strand, the complement: HOXB13 is on the minus strand). VCF-style: chr17-48728298-G-A. GRCh37 (hg19) VCF-style: chr17-46805660-G-A.
Other names: short protein forms P99L.
Identifiers: ClinVar variation 1491873 (VCV001491873.6), dbSNP rs2143073063, ClinGen allele CA400107747.